The following is an entry in ClinVar:

ClinVar aggregate classification (germline): Conflicting classifications of pathogenicity. Review status: criteria provided, conflicting classifications (1 of 4 stars). 2 submissions from 2 submitters: Pathogenic (1); Uncertain significance (1). Last evaluated 2024-04-08.

Allele frequency attached by ClinVar (database versions not stated): gnomAD exomes below 0.00001; ExAC 0.00001.
gnomAD v4.1: 1 of 1,612,480 alleles (0.000062%); highest among the groups gnomAD compares: South Asian, 0.0011%; no homozygotes.

Submissions (2):

Labcorp Genetics (formerly Invitae), Labcorp
Classification: Pathogenic. Last evaluated: 2024-04-08. Review status: criteria provided, single submitter. Criteria: Invitae Variant Classification Sherloc (09022015). Collection method: clinical testing. Allele origin: germline.
Comment: This sequence change replaces proline, which is neutral and non-polar, with arginine, which is basic and polar, at codon 394 of the USH2A protein (p.Pro394Arg). This variant is present in population databases (rs775922302, gnomAD 0.006%). This missense change has been observed in individual(s) with retinitis pigmentosa and/or Usher syndrome (PMID: 24944099, 30948794). In at least one individual the data is consistent with being in trans (on the opposite chromosome) from a pathogenic variant. ClinVar contains an entry for this variant (Variation ID: 498884). Advanced modeling of protein sequence and biophysical properties (such as structural, functional, and spatial information, amino acid conservation, physicochemical variation, residue mobility, and thermodynamic stability) performed at Invitae indicates that this missense variant is expected to disrupt USH2A protein function with a positive predictive value of 95%. For these reasons, this variant has been classified as Pathogenic.

Eurofins Ntd Llc (ga)
Classification: Uncertain significance. Last evaluated: 2018-06-14. Review status: criteria provided, single submitter. Criteria: EGL ClinVar v180209 classification definitions. Collection method: clinical testing. Allele origin: germline. Observed: 1 variant allele, 1 heterozygote.

Literature cited by the submitters: PubMed 24944099 (cited by Labcorp Genetics (formerly Invitae), Labcorp); PubMed 30948794 (cited by Labcorp Genetics (formerly Invitae), Labcorp).

NM_206933.4(USH2A):c.1181C>G (p.Pro394Arg)

Gene: USH2A (usherin; minus strand). Cytogenetic location: 1q41.
Variant type: single nucleotide variant.
Coding change: c.1181C>G on transcript NM_206933.4 (MANE Select); coding-DNA position 1181, C replaced by G.
Protein change: p.Pro394Arg; replaces proline 394 with arginine.
Molecular consequence: missense variant.
Genome position (GRCh38, 1-based): chr1:216,324,315, G>C on the plus strand (C>G on the coding strand, the complement: USH2A is on the minus strand). VCF-style: chr1-216324315-G-C. GRCh37 (hg19) VCF-style: chr1-216497657-G-C.
Other names: c.1181C>G, p.Pro394Arg (NM_007123.6); short protein forms P394R.
Identifiers: ClinVar variation 498884 (VCV000498884.7), dbSNP rs775922302, ClinGen allele CA1396580.